The following is an entry in ClinVar:

NM_000059.4(BRCA2):c.5902T>C (p.Ser1968Pro)

Gene: BRCA2 (BRCA2 DNA repair associated; plus strand). Cytogenetic location: 13q13.1.
Variant type: single nucleotide variant.
Coding change: c.5902T>C on transcript NM_000059.4 (MANE Select); coding-DNA position 5902, T replaced by C.
Protein change: p.Ser1968Pro; replaces serine 1968 with proline.
Molecular consequence: missense variant.
Genome position (GRCh38, 1-based): chr13:32,340,257, T>C. VCF-style: chr13-32340257-T-C. GRCh37 (hg19) VCF-style: chr13-32914394-T-C.
Other names: short protein forms S1968P.
Identifiers: ClinVar variation 531427 (VCV000531427.19), dbSNP rs1555284455, ClinGen allele CA387787498.

ClinVar aggregate classification (germline): Conflicting classifications of pathogenicity. Review status: criteria provided, conflicting classifications (1 of 4 stars). 4 submissions from 4 submitters: Uncertain significance (3); Likely benign (1). Last evaluated 2024-12-07.

Conditions:
Hereditary cancer-predisposing syndrome. Also called: Hereditary neoplastic syndrome; Neoplastic Syndromes, Hereditary; Tumor predisposition; Hereditary Cancer Syndrome. Identifiers: Orphanet 140162, MedGen C0027672, MeSH D009386, MONDO:0015356.
Hereditary breast ovarian cancer syndrome. Also called: Hereditary breast and ovarian cancer syndrome (HBOC); BRCA1- and BRCA2-Associated Hereditary Breast and Ovarian Cancer; Hereditary breast and ovarian cancer syndrome; Breast and ovarian cancer; Hereditary breast and ovarian cancer; Hereditary breast and/or ovarian cancer syndrome. Identifiers: Orphanet 145, MedGen C0677776, MeSH D061325, MONDO:0003582. Disease mechanism: loss of function.

Submissions (4):

Ambry Genetics
Classification: Uncertain significance for Hereditary cancer-predisposing syndrome. Last evaluated: 2024-12-07. Review status: criteria provided, single submitter. Criteria: Ambry Variant Classification Scheme 2023. Collection method: clinical testing. Allele origin: germline.
Comment: The p.S1968P variant (also known as c.5902T>C), located in coding exon 10 of the BRCA2 gene, results from a T to C substitution at nucleotide position 5902. The serine at codon 1968 is replaced by proline, an amino acid with similar properties. This amino acid position is conserved. In addition, this alteration is predicted to be tolerated by in silico analysis. Since supporting evidence is limited at this time, the clinical significance of this alteration remains unclear.

Color Diagnostics, LLC DBA Color Health
Classification: Uncertain significance for Hereditary cancer-predisposing syndrome. Last evaluated: 2024-03-07. Review status: criteria provided, single submitter. Criteria: ACMG Guidelines, 2015. Collection method: clinical testing. Allele origin: germline.
Comment: This missense variant replaces serine with proline at codon 1968 of the BRCA2 protein. Computational prediction tool suggests that this variant may not impact protein structure and function (internally defined REVEL score threshold <=0.5, PMID: 27666373). Splice site prediction tools suggest that this variant may not impact RNA splicing. To our knowledge, functional studies have not been performed for this variant. This variant has not been reported in individuals affected with hereditary cancer in the literature. This variant has not been identified in the general population by the Genome Aggregation Database (gnomAD). The available evidence is insufficient to determine the role of this variant in disease conclusively. Therefore, this variant is classified as a Variant of Uncertain Significance.

University of Washington Department of Laboratory Medicine, University of Washington
Classification: Likely benign for Hereditary cancer-predisposing syndrome. Last evaluated: 2023-03-23. Review status: criteria provided, single submitter. Criteria: Dines et al. (Genet Med. 2020). Collection method: curation. Allele origin: germline.
Comment: Missense variant in a coldspot region where missense variants are very unlikely to be pathogenic (PMID:31911673).

BRCA2 exon 11 coldspot. Reclassification based on statistical prior probability.

Labcorp Genetics (formerly Invitae), Labcorp
Classification: Uncertain significance for Hereditary breast ovarian cancer syndrome. Last evaluated: 2022-10-13. Review status: criteria provided, single submitter. Criteria: Invitae Variant Classification Sherloc (09022015). Collection method: clinical testing. Allele origin: germline.
Comment: In summary, the available evidence is currently insufficient to determine the role of this variant in disease. Therefore, it has been classified as a Variant of Uncertain Significance. Advanced modeling of protein sequence and biophysical properties (such as structural, functional, and spatial information, amino acid conservation, physicochemical variation, residue mobility, and thermodynamic stability) performed at Invitae indicates that this missense variant is not expected to disrupt BRCA2 protein function. ClinVar contains an entry for this variant (Variation ID: 531427). This variant has not been reported in the literature in individuals affected with BRCA2-related conditions. This variant is not present in population databases (gnomAD no frequency). This sequence change replaces serine, which is neutral and polar, with proline, which is neutral and non-polar, at codon 1968 of the BRCA2 protein (p.Ser1968Pro).